The following is an entry in ClinVar:

NM_004815.4(ARHGAP29):c.*1G>C

Gene: ARHGAP29 (Rho GTPase activating protein 29; minus strand). Cytogenetic location: 1p22.1.
Variant type: single nucleotide variant.
Coding change: c.*1G>C on transcript NM_004815.4 (MANE Select); 1 bases downstream of the stop codon, G replaced by C.
Molecular consequence: 3 prime UTR variant.
Genome position (GRCh38, 1-based): chr1:94,173,868, C>G on the plus strand (G>C on the coding strand, the complement: ARHGAP29 is on the minus strand). VCF-style: chr1-94173868-C-G. GRCh37 (hg19) VCF-style: chr1-94639424-C-G.
Other names: c.*1G>C (NM_001328664.2, NM_001328665.2, NM_001328666.2 and 1 more transcripts).
Identifiers: ClinVar variation 3051373 (VCV003051373.2), dbSNP rs370165174, ClinGen allele CA959008.

ClinVar aggregate classification (germline): Likely benign (0 of 4 stars; one submission).

Conditions:
ARHGAP29-related disorder. Also called: ARHGAP29-Related Disorders; ARHGAP29-related condition.

Allele frequency attached by ClinVar (database versions not stated): ExAC 0.00002; gnomAD exomes 0.00002; gnomAD 0.00003; TOPMed 0.00005; ESP Exome Variant Server 0.00008.
gnomAD v4.1: 28 of 1,594,954 alleles (0.0018%); highest among the groups gnomAD compares: East Asian, 0.0022%; no homozygotes.

Submission:

PreventionGenetics, part of Exact Sciences
Classification: Likely benign for ARHGAP29-related condition. Last evaluated: 2021-11-08. Review status: no assertion criteria provided. Collection method: clinical testing. Allele origin: germline.
Comment: This variant is classified as likely benign based on ACMG/AMP sequence variant interpretation guidelines (Richards et al. 2015 PMID: 25741868, with internal and published modifications).